The following is an entry in ClinVar:

NM_001378454.1(ALMS1):c.11329G>A (p.Glu3777Lys)

Gene: ALMS1 (ALMS1 centrosome and basal body associated protein; plus strand). Cytogenetic location: 2p13.1.
Variant type: single nucleotide variant.
Coding change: c.11329G>A on transcript NM_001378454.1 (MANE Select); coding-DNA position 11329, G replaced by A.
Protein change: p.Glu3777Lys; replaces glutamic acid 3777 with lysine.
Molecular consequence: missense variant.
Genome position (GRCh38, 1-based): chr2:73,573,206, G>A. VCF-style: chr2-73573206-G-A. GRCh37 (hg19) VCF-style: chr2-73800333-G-A.
Other names: c.11332G>A, p.Glu3778Lys (NM_015120.4); short protein forms E3778K, E3777K.
Identifiers: ClinVar variation 459848 (VCV000459848.11), dbSNP rs565098671, ClinGen allele CA1715170.
Genomic context (GRCh38, chr2:73,573,206, plus strand): 5'-ACCACTTCTACTGTCGAATCAGATATATTGACCCAAACAGATAGAGAGGTGGCTCTGCAC[G>A]AAAGGAGTAGCTCTGTTTCCACTATTGACACTGCCCGGCTGATTCAAGCTTTTGGCCATG-3'
Protein context (NP_001365383.1, residues 3767-3787): TQTDREVALH[Glu3777Lys]RSSSVSTIDT

ClinVar aggregate classification (germline): Uncertain significance. Review status: criteria provided, multiple submitters, no conflicts (2 of 4 stars). 5 submissions from 5 submitters: Uncertain significance (4). 1 of the submissions does not count toward it. Last evaluated 2023-09-20.

Conditions:
Alstrom syndrome (ALMS). Identifiers: Orphanet 64, MedGen C0268425, MONDO:0008763, OMIM 203800.

Allele frequency attached by ClinVar (database versions not stated): TOPMed 0.00001; ExAC 0.00002; gnomAD 0.00002 and 0.00003; gnomAD exomes 0.00002; 1000 Genomes Project 30x 0.00016; 1000 Genomes Project 0.00020.
gnomAD v4.1: 30 of 1,612,418 alleles (0.0019%); highest among the groups gnomAD compares: East Asian, 0.0045%; no homozygotes.

Submissions (5):

Blueprint Genetics
Classification: Uncertain significance. Last evaluated: 2023-09-20. Review status: criteria provided, single submitter. Criteria: ACMG Guidelines, 2015. Collection method: clinical testing. Allele origin: germline.

Labcorp Genetics (formerly Invitae), Labcorp
Classification: Uncertain significance for Alstrom syndrome. Last evaluated: 2022-08-03. Review status: criteria provided, single submitter. Criteria: Invitae Variant Classification Sherloc (09022015). Collection method: clinical testing. Allele origin: germline.
Comment: This sequence change replaces glutamic acid, which is acidic and polar, with lysine, which is basic and polar, at codon 3778 of the ALMS1 protein (p.Glu3778Lys). This variant is present in population databases (rs565098671, gnomAD 0.007%). This variant has not been reported in the literature in individuals affected with ALMS1-related conditions. ClinVar contains an entry for this variant (Variation ID: 459848). In summary, the available evidence is currently insufficient to determine the role of this variant in disease. Therefore, it has been classified as a Variant of Uncertain Significance.

Fulgent Genetics
Classification: Uncertain significance for Alstrom syndrome. Last evaluated: 2022-04-20. Review status: criteria provided, single submitter. Criteria: ACMG Guidelines, 2015. Collection method: clinical testing. Allele origin: unknown.

Victorian Clinical Genetics Services, Murdoch Childrens Research Institute
Classification: Uncertain significance for Alstrom syndrome. Last evaluated: 2021-05-06. Review status: criteria provided, single submitter. Criteria: ACMG Guidelines, 2015. Collection method: clinical testing. Allele origin: germline. Inheritance: Autosomal recessive inheritance.
Comment: Based on the classification scheme VCGS_Germline_v1.3.4, this variant is classified as VUS-3B. Following criteria are met: 0102 - Loss of function is a known mechanism of disease in this gene and is associated with Alstrom syndrome (MIM#203800). (I) 0106 - This gene is associated with autosomal recessive disease. (I) 0200 - Variant is predicted to result in a missense amino acid change from glutamic acid to lysine. (I) 0251 - This variant is heterozygous. (I) 0304 - Variant is present in gnomAD (v2) <0.01 for a recessive condition (5 heterozygotes, 0 homozygotes), but has been misannotated as p.(Glu3776Lys). (SP) 0502 - Missense variant with conflicting in silico predictions and uninformative conservation. (I) 0604 - Variant is not located in an established domain, motif, hotspot or informative constraint region. (I) 0705 - No comparable missense variants have previous evidence for pathogenicity. (I) 0809 - Previous evidence of pathogenicity for this variant is inconclusive. This variant has been previously reported as a VUS (ClinVar). (I) 0905 - No published segregation evidence has been identified for this variant. (I) 1007 - No published functional evidence has been identified for this variant. (I) 1208 - Inheritance information for this variant is not currently available in this individual. (I) Legend: (SP) - Supporting pathogenic, (I) - Information, (SB) - Supporting benign

Natera, Inc.
Classification: Uncertain significance for Alstrom syndrome. Last evaluated: 2021-07-30. Review status: no assertion criteria provided. Collection method: clinical testing. Allele origin: germline. Not counted in ClinVar's aggregate classification.